The following is an entry in ClinVar:

ClinVar aggregate classification (germline): Likely benign (0 of 4 stars; one submission).

Conditions:
ABCA2-related disorder. Also called: ABCA2-related condition.

Allele frequency attached by ClinVar (database versions not stated): gnomAD exomes 0.00008; gnomAD 0.00011; TOPMed 0.00024; ExAC 0.00030; 1000 Genomes Project 0.00060; 1000 Genomes Project 30x 0.00062.
gnomAD v4.1: 133 of 1,608,194 alleles (0.0083%); highest among the groups gnomAD compares: East Asian, 0.25%; 2 homozygotes.

Submissions (2):

PreventionGenetics, part of Exact Sciences
Classification: Likely benign for ABCA2-related condition. Last evaluated: 2019-03-25. Review status: no assertion criteria provided. Collection method: clinical testing. Allele origin: germline.
Comment: This variant is classified as likely benign based on ACMG/AMP sequence variant interpretation guidelines (Richards et al. 2015 PMID: 25741868, with internal and published modifications).

Dr. Peter K. Rogan Lab, Western University
No classification provided (evidence only). Condition: Gastric cancer. Review status: no classification provided. Collection method: in vitro. Allele origin: not applicable. Functional consequence: retained intron. Not counted in ClinVar's aggregate classification.

NM_001606.5(ABCA2):c.3318-9C>G

Gene: ABCA2 (ATP binding cassette subfamily A member 2; minus strand). Cytogenetic location: 9q34.3.
Variant type: single nucleotide variant.
Coding change: c.3318-9C>G on transcript NM_001606.5 (MANE Select); 9 bases into the intron before coding-DNA position 3318, C replaced by G.
Molecular consequence: intron variant.
Genome position (GRCh38, 1-based): chr9:137,015,880, G>C on the plus strand (C>G on the coding strand, the complement: ABCA2 is on the minus strand). VCF-style: chr9-137015880-G-C. GRCh37 (hg19) VCF-style: chr9-139910332-G-C.
Other names: NC_000009.11:g.139910332G>C; c.3315-9C>G (NM_001411042.1); c.3408-9C>G (NM_212533.3).
Identifiers: ClinVar variation 3034960 (VCV003034960.3), dbSNP rs546150662, ClinGen allele CA5354791.
Genomic context (GRCh38, chr9:137,015,880, plus strand): 5'-TGTCTGCACCAGTGAGTGCCGTTTGTTGGAGAGCTCCAGGTCCTCGATCATCCTGGGACA[G>C]GGAGGTGGGGCATGGGGCTGCTGCTATGCAGAGCCCCAGGGCCTCCGCCCACCTGCCCCG-3'